The following is an entry in ClinVar:

NM_000135.4(FANCA):c.1007-2A>G

Gene: FANCA (FA complementation group A; minus strand). Cytogenetic location: 16q24.3.
Variant type: single nucleotide variant.
Coding change: c.1007-2A>G on transcript NM_000135.4 (MANE Select); the canonical splice acceptor site of the intron before coding-DNA position 1007, A replaced by G.
Molecular consequence: splice acceptor variant.
Genome position (GRCh38, 1-based): chr16:89,792,549, T>C on the plus strand (A>G on the coding strand, the complement: FANCA is on the minus strand). VCF-style: chr16-89792549-T-C. GRCh37 (hg19) VCF-style: chr16-89858957-T-C.
Other names: c.1007-2A>G (NM_001286167.3).
Identifiers: ClinVar variation 1485507 (VCV001485507.9), dbSNP rs2040110878, ClinGen allele CA397467138.
Genomic context (GRCh38, chr16:89,792,549, plus strand): 5'-GAGCAGAGGGTGTGTCCGCGCAAAGCTCCACTCTCTCTGCATCTGAACAGCATCAGATGC[T>C]GCAGGGGGAGAAACAGACAAAAACTTCAAGTCAGAGATCAAAAAGTTGTGGGTTTTTGTT-3'

ClinVar aggregate classification (germline): Pathogenic/Likely pathogenic. Review status: criteria provided, multiple submitters, no conflicts (2 of 4 stars). 2 submissions from 2 submitters: Pathogenic (1); Likely pathogenic (1). Last evaluated 2023-10-09.

Conditions:
Fanconi anemia (FA). Also called: Fanconi's anemia. Identifiers: Orphanet 84, MedGen C0015625, MeSH D005199, MONDO:0019391.
Fanconi anemia complementation group A (FANCA). Also called: Fanconi anemia, group A; FANCA-Related Fanconi Anemia. Identifiers: Orphanet 84, MedGen C3469521, MONDO:0009215, OMIM 227650.

Allele frequency attached by ClinVar (database versions not stated): TOPMed below 0.00001.

Submissions (2):

Baylor Genetics
Classification: Pathogenic for Fanconi anemia complementation group A. Last evaluated: 2023-10-09. Review status: criteria provided, single submitter. Criteria: ACMG Guidelines, 2015. Collection method: clinical testing. Allele origin: unknown.

Labcorp Genetics (formerly Invitae), Labcorp
Classification: Likely pathogenic for Fanconi anemia. Last evaluated: 2021-05-28. Review status: criteria provided, single submitter. Criteria: Invitae Variant Classification Sherloc (09022015). Collection method: clinical testing. Allele origin: germline.
Comment: This sequence change affects an acceptor splice site in intron 11 of the FANCA gene. It is expected to disrupt RNA splicing. Variants that disrupt the donor or acceptor splice site typically lead to a loss of protein function (PMID: 16199547), and loss-of-function variants in FANCA are known to be pathogenic (PMID: 19367192). This variant is not present in population databases (ExAC no frequency). This variant has been observed in individual(s) with clinical features of Fanconi anemia (PMID: 29098742, 30792206). Algorithms developed to predict the effect of sequence changes on RNA splicing suggest that this variant may disrupt the consensus splice site, but this prediction has not been confirmed by published transcriptional studies. In summary, the currently available evidence indicates that the variant is pathogenic, but additional data are needed to prove that conclusively. Therefore, this variant has been classified as Likely Pathogenic.

Literature cited by the submitters: PubMed 16199547 (cited by Labcorp Genetics (formerly Invitae), Labcorp); PubMed 19367192 (cited by Labcorp Genetics (formerly Invitae), Labcorp); PubMed 29098742 (cited by Labcorp Genetics (formerly Invitae), Labcorp); PubMed 30792206 (cited by Labcorp Genetics (formerly Invitae), Labcorp).